The following is an entry in ClinVar:

ClinVar aggregate classification (germline): Uncertain significance (1 of 4 stars; one submission).

gnomAD v4.1: 1 of 1,613,712 alleles (0.000062%); no homozygotes.

Submission:

Labcorp Genetics (formerly Invitae), Labcorp
Classification: Uncertain significance. Last evaluated: 2021-11-07. Review status: criteria provided, single submitter. Criteria: Invitae Variant Classification Sherloc (09022015). Collection method: clinical testing. Allele origin: germline.
Comment: This sequence change replaces methionine, which is neutral and non-polar, with threonine, which is neutral and polar, at codon 644 of the CDH23 protein (p.Met644Thr). This variant is not present in population databases (gnomAD no frequency). This variant has not been reported in the literature in individuals affected with CDH23-related conditions. Algorithms developed to predict the effect of missense changes on protein structure and function are either unavailable or do not agree on the potential impact of this missense change (SIFT: "Tolerated"; PolyPhen-2: "Not Available"; Align-GVGD: "Class C0"). In summary, the available evidence is currently insufficient to determine the role of this variant in disease. Therefore, it has been classified as a Variant of Uncertain Significance.

NM_022124.6(CDH23):c.1931T>C (p.Met644Thr)

Gene: CDH23 (cadherin related 23; plus strand). Cytogenetic location: 10q22.1.
Variant type: single nucleotide variant.
Coding change: c.1931T>C on transcript NM_022124.6 (MANE Select); coding-DNA position 1931, T replaced by C.
Protein change: p.Met644Thr; replaces methionine 644 with threonine.
Molecular consequence: missense variant.
Genome position (GRCh38, 1-based): chr10:71,682,517, T>C. VCF-style: chr10-71682517-T-C. GRCh37 (hg19) VCF-style: chr10-73442274-T-C.
Other names: c.1931T>C, p.Met644Thr (NM_001171930.2, NM_001171931.2); short protein forms M644T.
Identifiers: ClinVar variation 1430980 (VCV001430980.3), dbSNP rs1163722881, ClinGen allele CA377132565.